The following is an entry in ClinVar:

ClinVar aggregate classification (germline): Pathogenic (1 of 4 stars; one submission).

Conditions:
Luscan-Lumish syndrome. Identifiers: Orphanet 597738, MedGen C4085873, MONDO:0014791, OMIM 616831.

Submission:

CGC Genetics, Unilabs
Classification: Pathogenic for Luscan-Lumish syndrome. Last evaluated: 2025-07-24. Review status: criteria provided, single submitter. Criteria: ACMG Guidelines, 2015. Collection method: clinical testing. Allele origin: de novo. Inheritance: Autosomal dominant inheritance. Affected: yes. Observed: 1 variant allele.
Comment: The NM_014159.7:c.6850C>T p.(Gln2284*) variant, detected in heterozygosity in exon 15 (of 21) of the SETD2 gene (chr.3) has not been described in the literature, nor is it reported in the gnomAD and ClinVar databases. Given its nature (nonsense), the introduction of a premature stop codon and consequent production of a truncated protein and/or loss of expression due to mRNA degradation are predicted. In addition, the study of the progenitors confirmed that the variant was not inherited and was determined to be probably de novo. With the information currently available, it should be classified as a pathogenic variant.

NM_014159.7(SETD2):c.6850C>T (p.Gln2284Ter)

Gene: SETD2 (SET domain containing 2, histone lysine methyltransferase; minus strand). Cytogenetic location: 3p21.31.
Variant type: single nucleotide variant.
Coding change: c.6850C>T on transcript NM_014159.7 (MANE Select); coding-DNA position 6850, C replaced by T.
Protein change: p.Gln2284Ter; replaces glutamine 2284 with a stop codon.
Molecular consequence: nonsense. On other transcripts: non-coding transcript variant (1).
Genome position (GRCh38, 1-based): chr3:47,056,934, G>A on the plus strand (C>T on the coding strand, the complement: SETD2 is on the minus strand). VCF-style: chr3-47056934-G-A. GRCh37 (hg19) VCF-style: chr3-47098424-G-A.
Other names: c.6718C>T, p.Gln2240Ter (NM_001349370.3); short protein forms Q2240*, Q2284*.
Identifiers: ClinVar variation 4851571 (VCV004851571.1).